The following is an entry in ClinVar:

NM_006727.5(CDH10):c.1781A>G (p.Asn594Ser)

Gene: CDH10 (cadherin 10; minus strand). Cytogenetic location: 5p14.2.
Variant type: single nucleotide variant.
Coding change: c.1781A>G on transcript NM_006727.5 (MANE Select); coding-DNA position 1781, A replaced by G.
Protein change: p.Asn594Ser; replaces asparagine 594 with serine.
Molecular consequence: missense variant. On other transcripts: 5 prime UTR variant (1), intron variant (1).
Genome position (GRCh38, 1-based): chr5:24,491,671, T>C on the plus strand (A>G on the coding strand, the complement: CDH10 is on the minus strand). VCF-style: chr5-24491671-T-C. GRCh37 (hg19) VCF-style: chr5-24491780-T-C.
Other names: c.-2A>G (NM_001317222.2); c.1781A>G, p.Asn594Ser (NM_001317224.2); c.1516-3518A>G (NM_001362460.1); short protein forms N594S.
Identifiers: ClinVar variation 1049918 (VCV001049918.1), dbSNP rs913258374, ClinGen allele CA116016583.

ClinVar aggregate classification (germline): Uncertain significance (0 of 4 stars; one submission).

Allele frequency attached by ClinVar (database versions not stated): gnomAD exomes 0.00001.
gnomAD v4.1: 3 of 1,614,030 alleles (0.00019%); highest among the groups gnomAD compares: Admixed American, 0.0017%; no homozygotes.

Submission:

Department of Pathology and Laboratory Medicine, Sinai Health System
Classification: Uncertain significance. Review status: no assertion criteria provided. Collection method: clinical testing. Allele origin: unknown. Affected: yes. Study: The Canadian Open Genetics Repository (COGR).
Comment: The CDH10 p.Asn594Ser variant was not identified in the literature nor was it identified in ClinVar or Cosmic. The variant was identified in dbSNP (ID: rs913258374) and in control databases in 2 of 236688 chromosomes at a frequency of 0.00000845 (Genome Aggregation Database March 6, 2019, v2.1.1). The variant was observed in the following populations: Other in 1 of 5606 chromosomes (freq: 0.000178) and Latino in 1 of 34258 chromosomes (freq: 0.000029), but was not observed in the African, Ashkenazi Jewish, East Asian, European (Finnish), European (non-Finnish), or South Asian populations.The p.Asn594 residue is conserved in mammals and computational analyses (PolyPhen-2, SIFT, AlignGVGD, BLOSUM, MutationTaster) provide inconsistent predictions regarding the impact to the protein; this information is not very predictive of pathogenicity. The variant occurs outside of the splicing consensus sequence and three of four in silico or computational prediction software programs (SpliceSiteFinder, MaxEntScan, NNSPLICE, GeneSplicer) do not predict a difference in splicing. In summary, based on the above information the clinical significance of this variant cannot be determined with certainty at this time. This variant is classified as a variant of uncertain significance.